The following is an entry in ClinVar:

ClinVar aggregate classification (germline): Pathogenic/Likely pathogenic. Review status: criteria provided, multiple submitters, no conflicts (2 of 4 stars). 3 submissions from 3 submitters: Pathogenic (2); Likely pathogenic (1). Last evaluated 2026-01-13.

Conditions:
Cardiovascular phenotype. Identifiers: MedGen CN230736.
Hereditary cancer-predisposing syndrome. Also called: Hereditary Cancer Syndrome; Tumor predisposition; Neoplastic Syndromes, Hereditary; Hereditary neoplastic syndrome. Identifiers: Orphanet 140162, MedGen C0027672, MeSH D009386, MONDO:0015356.
Neurofibromatosis, type 1 (NF1). Also called: VON RECKLINGHAUSEN DISEASE; Neurofibromatosis, type I; NEUROFIBROMATOSIS, TYPE I, SOMATIC; Peripheral type neurofibromatosis. Identifiers: Orphanet 636, MedGen C0027831, MONDO:0018975, OMIM 162200. Disease mechanism: loss of function.

Submissions (3):

Labcorp Genetics (formerly Invitae), Labcorp
Classification: Pathogenic for Neurofibromatosis, type 1. Last evaluated: 2026-01-13. Review status: criteria provided, single submitter. Criteria: Invitae Variant Classification Sherloc (09022015). Collection method: clinical testing. Allele origin: germline.
Comment: This sequence change replaces glycine, which is neutral and non-polar, with serine, which is neutral and polar, at codon 1166 of the NF1 protein (p.Gly1166Ser). This variant also falls at the last nucleotide of exon 26, which is part of the consensus splice site for this exon. This variant is not present in population databases (gnomAD no frequency). This missense change has been observed in individual(s) with a suspected diagnosis of neurofibromatosis (NF) type-1 (PMID: 24789688; internal data). In at least one individual the variant was observed to be de novo. Invitae Evidence Modeling of clinical and family history, age, sex, and reported ancestry of multiple individuals with this NF1 variant has been performed. This variant is expected to be pathogenic with a positive predictive value of at least 99%. This is a validated machine learning model that incorporates the clinical features of 1,785,918 individuals referred to our laboratory for NF1 testing. ClinVar contains an entry for this variant (Variation ID: 651126). An algorithm developed to predict the effect of missense changes on protein structure and function (PolyPhen-2) suggests that this variant is likely to be disruptive. Variants that disrupt the consensus splice site are a relatively common cause of aberrant splicing (PMID: 17576681, 9536098). Algorithms developed to predict the effect of sequence changes on RNA splicing suggest that this variant may disrupt the consensus splice site. This variant disrupts the c.3496G nucleotide in the NF1 gene. Other variant(s) that disrupt this nucleotide have been determined to be pathogenic (internal data). This suggests that this nucleotide is clinically significant, and that variants that disrupt this position are likely to be disease-causing. For these reasons, this variant has been classified as Pathogenic.

GeneDx
Classification: Likely pathogenic. Last evaluated: 2024-03-01. Review status: criteria provided, single submitter. Criteria: GeneDx Variant Classification Process June 2021. Collection method: clinical testing. Allele origin: germline. Affected: yes.
Comment: Alters the last nucleotide of the exon and is predicted to destroy the splice donor site and result in aberrant splicing, although in the absence of functional evidence the actual effect of this sequence change is unknown; Not observed at significant frequency in large population cohorts (gnomAD); RNA studies demonstrate a damaging effect: deletion of the adjacent exon; Identified in a patient with clinical features of neurofibomatosis type 1 in published literature (PMID: 24789688); This variant is associated with the following publications: (PMID: 22807134, 2121369, 25486365, 24789688)

Ambry Genetics
Classification: Pathogenic for Cardiovascular phenotype; Hereditary cancer-predisposing syndrome. Last evaluated: 2022-01-14. Review status: criteria provided, single submitter. Criteria: Ambry Variant Classification Scheme 2023. Collection method: clinical testing. Allele origin: germline.
Comment: The c.3496G>A variant (also known as p.G1166S), located in coding exon 26 of the NF1 gene, results from a G to A substitution at nucleotide position 3496. The glycine at codon 1166 is replaced with a serine, an amino acid with similar properties. However, this change occurs in the last base pair of coding exon 26, which makes it likely to have some effect on normal mRNA splicing. This alteration has been observed in at least one individual with a personal and/or family history that is consistent with NF1-related disease (Ambry internal data). This variant is considered to be rare based on population cohorts in the Genome Aggregation Database (gnomAD). This nucleotide position is highly conserved in available vertebrate species. This amino acid position is highly conserved in available vertebrate species. In silico splice site analysis predicts that this alteration will weaken the native splice donor site. In addition, as a missense substitution this predicted to be inconclusive by in silico analysis. Based on the supporting evidence, this alteration is interpreted as a disease-causing mutation.

Literature cited by the submitters: PubMed 24789688 (cited by Labcorp Genetics (formerly Invitae), Labcorp); PubMed 17576681 (cited by Labcorp Genetics (formerly Invitae), Labcorp); PubMed 9536098 (cited by Labcorp Genetics (formerly Invitae), Labcorp).

NM_001042492.3(NF1):c.3496G>A (p.Gly1166Ser)

Gene: NF1 (neurofibromin 1; plus strand). Cytogenetic location: 17q11.2.
Variant type: single nucleotide variant.
Coding change: c.3496G>A on transcript NM_001042492.3 (MANE Select); coding-DNA position 3496, G replaced by A.
Protein change: p.Gly1166Ser; replaces glycine 1166 with serine.
Molecular consequence: missense variant.
Genome position (GRCh38, 1-based): chr17:31,232,881, G>A. VCF-style: chr17-31232881-G-A. GRCh37 (hg19) VCF-style: chr17-29559899-G-A.
Other names: c.3496G>A, p.Gly1166Ser (NM_000267.4); short protein forms G1166S.
Identifiers: ClinVar variation 651126 (VCV000651126.11), dbSNP rs1597719704, ClinGen allele CA398989534.